The following is an entry in ClinVar:

NM_174936.4(PCSK9):c.1147dup (p.Ser383fs)

Gene: PCSK9 (proprotein convertase subtilisin/kexin type 9; plus strand). Cytogenetic location: 1p32.3.
Variant type: Duplication.
Coding change: c.1147dup on transcript NM_174936.4 (MANE Select); coding-DNA position 1147, one base duplicated (A; older notation c.1147dupA).
Protein change: p.Ser383fs; shifts the reading frame from serine 383.
Molecular consequence: frameshift variant. On other transcripts: non-coding transcript variant (8).
Genome position (GRCh38, 1-based): chr1:55,057,481, A duplicated. VCF-style (leftmost placement, unchanged base first): chr1-55057480-G-GA. GRCh37 (hg19) VCF-style: chr1-55523153-G-GA.
Other names: c.1270dup, p.Ser424fs (NM_001407240.1); c.1147dup, p.Ser383fs (NM_001407241.1, NM_001407244.1, NM_001407247.1); c.1150dup, p.Ser384fs (NM_001407242.1); c.1090dup, p.Ser364fs (NM_001407243.1); c.955dup, p.Ser319fs (NM_001407245.1); c.772dup, p.Ser258fs (NM_001407246.1); short protein forms S258fs, S319fs, S364fs, S383fs, S384fs, S424fs.
Identifiers: ClinVar variation 3073578 (VCV003073578.1), dbSNP rs1644724478, ClinGen allele CA1167983925.

ClinVar aggregate classification (germline): Likely benign (1 of 4 stars; one submission).

Conditions:
Hypercholesterolemia, autosomal dominant, 3 (FHCL3). Also called: Familial Hypercholesterolemia, Autosomal Dominant, 3; PCSK9-Related Familial Hypercholesterolemia, Autosomal Dominant; Familial hypercholesterolemia 3. Identifiers: MedGen C1863551, MONDO:0011369, OMIM 603776.

Submission:

All of Us Research Program, National Institutes of Health
Classification: Likely benign for Hypercholesterolemia, autosomal dominant, 3. Last evaluated: 2023-10-02. Review status: criteria provided, single submitter. Criteria: ACMG Guidelines, 2015. Collection method: clinical testing. Allele origin: germline. Inheritance: Autosomal dominant inheritance. Observed: 1 variant allele, 1 heterozygote.
Comment: This study involves interpretation of variants in research participants for the purpose of population health screening. Participant phenotype was not available at the time of variant classification. Additional details can be found in publication PMID: 35346344, PMCID: PMC8962531